The following is an entry in ClinVar:

NM_005732.4(RAD50):c.3409A>C (p.Ser1137Arg)

Genes: RAD50 (RAD50 double strand break repair protein; plus strand), TH2LCRR (T helper type 2 locus control region associated RNA; minus strand), TH2-LCR (Th2 cytokine locus control region; plus strand). Cytogenetic location: 5q31.1.
Variant type: single nucleotide variant.
Coding change: c.3409A>C on transcript NM_005732.4 (MANE Select); coding-DNA position 3409, A replaced by C.
Protein change: p.Ser1137Arg; replaces serine 1137 with arginine.
Molecular consequence: missense variant.
Genome position (GRCh38, 1-based): chr5:132,637,134, A>C. VCF-style: chr5-132637134-A-C. GRCh37 (hg19) VCF-style: chr5-131972826-A-C.
Other names: short protein forms S1137R.
Identifiers: ClinVar variation 1381118 (VCV001381118.6), dbSNP rs2149862711, ClinGen allele CA360929835.

ClinVar aggregate classification (germline): Uncertain significance (1 of 4 stars; one submission).

Conditions:
Hereditary cancer-predisposing syndrome. Also called: Tumor predisposition; Neoplastic Syndromes, Hereditary; Hereditary Cancer Syndrome; Hereditary neoplastic syndrome. Identifiers: Orphanet 140162, MedGen C0027672, MeSH D009386, MONDO:0015356.

Submission:

Labcorp Genetics (formerly Invitae), Labcorp
Classification: Uncertain significance for Hereditary cancer-predisposing syndrome. Last evaluated: 2021-09-15. Review status: criteria provided, single submitter. Criteria: Invitae Variant Classification Sherloc (09022015). Collection method: clinical testing. Allele origin: germline.
Comment: This variant is not present in population databases (ExAC no frequency). This sequence change replaces serine with arginine at codon 1137 of the RAD50 protein (p.Ser1137Arg). The serine residue is moderately conserved and there is a moderate physicochemical difference between serine and arginine. This variant has not been reported in the literature in individuals affected with RAD50-related conditions. In summary, the available evidence is currently insufficient to determine the role of this variant in disease. Therefore, it has been classified as a Variant of Uncertain Significance. Algorithms developed to predict the effect of missense changes on protein structure and function are either unavailable or do not agree on the potential impact of this missense change (SIFT: "Deleterious"; PolyPhen-2: "Benign"; Align-GVGD: "Class C0").